The following is an entry in ClinVar:

ClinVar aggregate classification (germline): Pathogenic. Review status: criteria provided, single submitter (1 of 4 stars). 2 submissions from 2 submitters: Pathogenic (1). 1 of the submissions does not count toward it. Last evaluated 2024-10-15.

Conditions:
Congenital stationary night blindness. Also called: Early-onset non-progressive night blindness. Identifiers: Orphanet 215, MedGen C0339535, MONDO:0016293, HP:0007642.

Submissions (2):

Labcorp Genetics (formerly Invitae), Labcorp
Classification: Pathogenic. Last evaluated: 2024-10-15. Review status: criteria provided, single submitter. Criteria: Invitae Variant Classification Sherloc (09022015). Collection method: clinical testing. Allele origin: germline.
Comment: This sequence change creates a premature translational stop signal (p.Val193Trpfs*16) in the GRM6 gene. It is expected to result in an absent or disrupted protein product. Loss-of-function variants in GRM6 are known to be pathogenic (PMID: 15781871, 16622103, 22008250). This variant is present in population databases (rs781463257, gnomAD 0.02%). This premature translational stop signal has been observed in individual(s) with congenital stationary night blindness (PMID: 28041643). ClinVar contains an entry for this variant (Variation ID: 437970). For these reasons, this variant has been classified as Pathogenic.

NIHR Bioresource Rare Diseases, University of Cambridge
Classification: Pathogenic for Congenital stationary night blindness. Last evaluated: 2015-01-01. Review status: no assertion criteria provided. Collection method: research. Allele origin: unknown. Affected: yes. Observed: 1 variant allele. Not counted in ClinVar's aggregate classification.

Literature cited by the submitters: PubMed 15781871 (cited by Labcorp Genetics (formerly Invitae), Labcorp); PubMed 16622103 (cited by Labcorp Genetics (formerly Invitae), Labcorp); PubMed 22008250 (cited by Labcorp Genetics (formerly Invitae), Labcorp and NIHR Bioresource Rare Diseases, University of Cambridge); PubMed 28041643 (cited by Labcorp Genetics (formerly Invitae), Labcorp and NIHR Bioresource Rare Diseases, University of Cambridge).

NM_000843.4(GRM6):c.577del (p.Val193fs)

Gene: GRM6 (glutamate metabotropic receptor 6; minus strand). Cytogenetic location: 5q35.3.
Variant type: Deletion.
Coding change: c.577del on transcript NM_000843.4 (MANE Select); coding-DNA position 577, one base deleted (G; older notation c.577delG).
Protein change: p.Val193fs; shifts the reading frame from valine 193.
Molecular consequence: frameshift variant.
Genome position (GRCh38, 1-based): chr5:178,992,011, C deleted on the plus strand (G on the coding strand, the reverse complement: GRM6 is on the minus strand); the first of 3 consecutive C bases (chr5:178,992,011-178,992,013); deleting any one gives the same sequence. VCF-style (leftmost placement, unchanged base first): chr5-178992010-AC-A. GRCh37 (hg19) VCF-style: chr5-178419011-AC-A.
Other names: short protein forms V193fs.
Identifiers: ClinVar variation 437970 (VCV000437970.6), dbSNP rs781463257, ClinGen allele CA3594486.
Genomic context (GRCh38, chr5:178,992,010, plus strand): 5'-CATCCCAGTGCCCTCACGATGTCCACCATGGCCTGCGCCTGGTAGGAGTCGGGTGGCACC[AC>A]CCGGGAGAAGAAGTCATAGCGTGTGGAGTCGCTGAGCTCCGGGGCTGTGGAGGCATAGCT-3'